The following is an entry in ClinVar:

ClinVar aggregate classification (germline): Uncertain significance (0 of 4 stars; one submission).

Conditions:
GSN-related disorder. Also called: GSN-related condition.

Submission:

PreventionGenetics, part of Exact Sciences
Classification: Uncertain significance for GSN-related condition. Last evaluated: 2024-08-27. Review status: no assertion criteria provided. Collection method: clinical testing. Allele origin: germline.
Comment: The GSN c.1900G>A variant is predicted to result in the amino acid substitution p.Glu634Lys. To our knowledge, this variant has not been reported in the literature or in a large population database, indicating this variant is rare. At this time, the clinical significance of this variant is uncertain due to the absence of conclusive functional and genetic evidence.

NM_198252.3(GSN):c.1747G>A (p.Glu583Lys)

Gene: GSN (gelsolin; plus strand). Cytogenetic location: 9q33.2.
Variant type: single nucleotide variant.
Coding change: c.1747G>A on transcript NM_198252.3 (MANE Select); coding-DNA position 1747, G replaced by A.
Protein change: p.Glu583Lys; replaces glutamic acid 583 with lysine.
Molecular consequence: missense variant.
Genome position (GRCh38, 1-based): chr9:121,327,467, G>A. VCF-style: chr9-121327467-G-A. GRCh37 (hg19) VCF-style: chr9-124089745-G-A.
Other names: c.1900G>A, p.Glu634Lys (NM_000177.5); c.1747G>A, p.Glu583Lys (NM_001127662.2, NM_001127664.2, NM_001127665.2 and 10 more transcripts); c.1855G>A, p.Glu619Lys (NM_001127663.2); c.1780G>A, p.Glu594Lys (NM_001127666.2, NM_001127667.2, NM_001353063.2 and 13 more transcripts); c.1798G>A, p.Glu600Lys (NM_001258029.2); c.1771G>A, p.Glu591Lys (NM_001258030.2); c.1819G>A, p.Glu607Lys (NM_001353076.2); c.1093G>A, p.Glu365Lys (NM_001353078.2); short protein forms E365K, E583K, E591K, E594K, E600K, E607K, E619K, E634K.
Identifiers: ClinVar variation 3347223 (VCV003347223.1).